The following is an entry in ClinVar:

ClinVar aggregate classification (germline): Conflicting classifications of pathogenicity. Review status: criteria provided, conflicting classifications (1 of 4 stars). 6 submissions from 6 submitters: Uncertain significance (2); Benign (1); Likely benign (3). Last evaluated 2025-12-05.

Conditions:
Maturity-onset diabetes of the young type 4 (MODY4). Also called: Maturity-onset diabetes of the young, type IV; MODY, type IV. Identifiers: Orphanet 552, MedGen C1833382, MONDO:0011667, OMIM 606392.
Pancreatic agenesis 1 (PAGEN1). Also called: PANCREATIC HYPOPLASIA, CONGENITAL. Identifiers: Orphanet 2805, MedGen C3891828, MONDO:0024547, OMIM 260370.
Type 2 diabetes mellitus. Also called: Type II diabetes mellitus. Identifiers: MedGen C0011860, MeSH D003924, MONDO:0005148, OMIM 125853, HP:0005978.

Allele frequency attached by ClinVar (database versions not stated): 1000 Genomes Project 30x 0.00047.

Submissions (6):

GeneDx
Classification: Uncertain significance. Last evaluated: 2025-12-05. Review status: criteria provided, single submitter. Criteria: GeneDx Variant Classification Process June 2021. Collection method: clinical testing. Allele origin: germline. Affected: yes.
Comment: Reported in association with early onset diabetes in the published literature (PMID: 34135026, 39364395, 37279936); In silico analysis supports that this missense variant has a deleterious effect on protein structure/function; This variant is associated with the following publications: (PMID: 37279936, 32041611, 39364395, 34135026, 27420379, 36208030, 38333726, 27913849)

Labcorp Genetics (formerly Invitae), Labcorp
Classification: Likely benign. Last evaluated: 2024-11-11. Review status: criteria provided, single submitter. Criteria: Invitae Variant Classification Sherloc (09022015). Collection method: clinical testing. Allele origin: germline.

Fulgent Genetics
Classification: Likely benign for Type 2 diabetes mellitus; Pancreatic agenesis 1; Maturity-onset diabetes of the young type 4. Last evaluated: 2024-04-17. Review status: criteria provided, single submitter. Criteria: ACMG Guidelines, 2015. Collection method: clinical testing. Allele origin: germline.

Women's Health and Genetics/Laboratory Corporation of America, LabCorp
Classification: Likely benign. Last evaluated: 2023-09-19. Review status: criteria provided, single submitter. Criteria: LabCorp Variant Classification Summary - May 2015. Collection method: clinical testing. Allele origin: germline.
Comment: Variant summary: PDX1 c.97C>G (p.Pro33Ala) results in a non-conservative amino acid change in the encoded protein sequence. Five of five in-silico tools predict a damaging effect of the variant on protein function. The variant allele was found at a frequency of 0.00034 in 142222 control chromosomes. The observed variant frequency is approximately 275-fold of the estimated maximal expected allele frequency for a pathogenic variant in PDX1 causing Familial Monogenic Diabetes (Maturity Onset Diabetes Of The Young 4)/Neonatal Diabetes Mellitus phenotype (1.3e-06), strongly suggesting that the variant is benign. c.97C>G has been reported in the literature in individuals affected with early onset diabetes, without strong evidence for causality (examples, Billings_2022, Dron_2020, Lee_2021, Johansson_2017, Ang_2016). These report(s) do not provide unequivocal conclusions about association of the variant with Familial Monogenic Diabetes (Maturity Onset Diabetes Of The Young 4)/Neonatal Diabetes Mellitus. To our knowledge, no experimental evidence demonstrating an impact on protein function has been reported. The following publications have been ascertained in the context of this evaluation (PMID: 27420379, 36208030, 32041611, 27913849, 34135026). Four submitters have cited clinical-significance assessments for this variant to ClinVar after 2014 (Benign, n=1; VUS, n=3). Based on the evidence outlined above, the variant was classified as likely benign.

New York Genome Center
Classification: Uncertain significance for Type 2 diabetes mellitus; Maturity-onset diabetes of the young type 4. Last evaluated: 2021-10-19. Review status: criteria provided, single submitter. Criteria: NYGC Assertion Criteria 2020. Collection method: clinical testing. Allele origin: germline. Observed: 1 heterozygote.
Comment: The heterozygous c.97C>G p.(Pro33Ala) variant identified in the PDX1 gene has previously been reported in the literature as variant of unknown significance in an individual with MODY IV [PMID:32041611]. The c.97C>G variant is observed in 31 control alleles (no homozygotes) with ~0.020-0.035% total allele frequency (predominantly in individuals of East Asian ancestry with ~0.25-0.4% subpopulation allele frequency) in gnomAD v2.1.1 and v3.1.1 databases, suggesting it is not a common benign variant in the populations represented in those databases. The predicted p.(Pro33Ala) variant resides in the 'transactivation domain', where other missense variants, including a different missense variant affecting the same residue (p.(Pro33Ser)), have been reported in the literature in individuals with MODY type IV and type 2 diabetes mellitus [PMIDs:10545530, 10545531, 24097065, 32041611, 33046911]. In silico prediction scores are in favor of damaging effect of this variant (CADD: 24.8, REVEL:0.718) to the function of the canonical transcript, however, there are no functional characterization studies performed. Based on available evidence, this heterozygous c.97C>G variant identified in the PDX1 gene is reported as Variant of Uncertain Significance.

Athena Diagnostics
Classification: Benign. Last evaluated: 2021-04-27. Review status: criteria provided, single submitter. Criteria: Athena Diagnostics criteria. Collection method: clinical testing. Allele origin: unknown.

Literature cited by the submitters: PubMed 32041611 (cited by Women's Health and Genetics/Laboratory Corporation of America, LabCorp and Athena Diagnostics); PubMed 27913849 (cited by Women's Health and Genetics/Laboratory Corporation of America, LabCorp); PubMed 34135026 (cited by Women's Health and Genetics/Laboratory Corporation of America, LabCorp); PubMed 36208030 (cited by Women's Health and Genetics/Laboratory Corporation of America, LabCorp); PubMed 27420379 (cited by Women's Health and Genetics/Laboratory Corporation of America, LabCorp).

NM_000209.4(PDX1):c.97C>G (p.Pro33Ala)

Gene: PDX1 (pancreatic and duodenal homeobox 1; plus strand). Cytogenetic location: 13q12.2.
Variant type: single nucleotide variant.
Coding change: c.97C>G on transcript NM_000209.4 (MANE Select); coding-DNA position 97, C replaced by G.
Protein change: p.Pro33Ala; replaces proline 33 with alanine.
Molecular consequence: missense variant.
Genome position (GRCh38, 1-based): chr13:27,920,235, C>G. VCF-style: chr13-27920235-C-G. GRCh37 (hg19) VCF-style: chr13-28494372-C-G.
Other names: short protein forms P33A.
Identifiers: ClinVar variation 1256412 (VCV001256412.16), dbSNP rs192902098, ClinGen allele CA6927579.
Genomic context (GRCh38, chr13:27,920,235, plus strand): 5'-CTTTACAAGGACCCATGCGCGTTCCAGCGAGGCCCGGCGCCGGAGTTCAGCGCCAGCCCC[C>G]CTGCGTGCCTGTACATGGGCCGCCAGCCCCCGCCGCCGCCGCCGCACCCGTTCCCTGGCG-3'
Protein context (NP_000200.1, residues 23-43): GPAPEFSASP[Pro33Ala]ACLYMGRQPP